The following is an entry in ClinVar:

ClinVar aggregate classification (germline): Pathogenic. Review status: criteria provided, multiple submitters, no conflicts (2 of 4 stars). 9 submissions from 9 submitters: Pathogenic (8). 1 of the submissions does not count toward it. Last evaluated 2026-04-20.

Conditions:
PIGT-related disorder.
Multiple congenital anomalies-hypotonia-seizures syndrome 3 (MCAHS3). Also called: GLYCOSYLPHOSPHATIDYLINOSITOL BIOSYNTHESIS DEFECT 7. Identifiers: Orphanet 369837, MedGen C3809356, MONDO:0014165, OMIM 615398.

Allele frequency attached by ClinVar (database versions not stated): ExAC 0.00005; gnomAD exomes 0.00005 and 0.00011; TOPMed 0.00005; gnomAD 0.00006; ESP Exome Variant Server 0.00015.
gnomAD v4.1: 173 of 1,613,094 alleles (0.011%); highest among the groups gnomAD compares: Non-Finnish European, 0.014%; no homozygotes.

Submissions (10):

Dasa
Classification: Pathogenic. Last evaluated: 2026-04-20. Review status: criteria provided, single submitter. Criteria: DASA Assertion Criteria. Collection method: clinical testing. Allele origin: germline.
Comment: NM_015937.6(PIGT):c.494-2A>G affects a canonical splice site and is predicted to disrupt normal RNA splicing, leading to loss of normal protein function. Loss-of-function is an established mechanism of disease for this gene. This variant has been recurrently observed in individuals with related phenotype (PMID: 30976099; PMID: 36177944). Segregation evidence has been reported in affected families. The variant is present at low frequency in population datasets. Based on the available data, this variant is classified as pathogenic.

Labcorp Genetics (formerly Invitae), Labcorp
Classification: Pathogenic for Multiple congenital anomalies-hypotonia-seizures syndrome 3. Last evaluated: 2025-07-14. Review status: criteria provided, single submitter. Criteria: Invitae Variant Classification Sherloc (09022015). Collection method: clinical testing. Allele origin: germline.
Comment: This sequence change affects an acceptor splice site in intron 3 of the PIGT gene. It is expected to disrupt RNA splicing. Variants that disrupt the donor or acceptor splice site typically lead to a loss of protein function (PMID: 16199547), and loss-of-function variants in PIGT are known to be pathogenic (PMID: 24906948, 25943031). This variant is present in population databases (rs200790673, gnomAD 0.01%). Disruption of this splice site has been observed in individual(s) with congenital disorder of glycosylation (PMID: 30813157, 30976099). In at least one individual the data is consistent with being in trans (on the opposite chromosome) from a pathogenic variant. ClinVar contains an entry for this variant (Variation ID: 583283). Algorithms developed to predict the effect of sequence changes on RNA splicing suggest that this variant may disrupt the consensus splice site. For these reasons, this variant has been classified as Pathogenic.

Department of Human Genetics, Hannover Medical School
Classification: Pathogenic for Multiple congenital anomalies-hypotonia-seizures syndrome 3. Last evaluated: 2024-02-01. Review status: criteria provided, single submitter. Criteria: ACMG Guidelines, 2015. Collection method: clinical testing. Allele origin: germline. Affected: yes.

GeneDx
Classification: Pathogenic. Last evaluated: 2022-06-07. Review status: criteria provided, single submitter. Criteria: GeneDx Variant Classification Process June 2021. Collection method: clinical testing. Allele origin: germline. Affected: yes.
Comment: Canonical splice site variant in a gene for which loss-of-function is a known mechanism of disease; Not observed at significant frequency in large population cohorts (gnomAD); This variant is associated with the following publications: (PMID: 25943031, 30813157, 30976099, 29310717, 24906948, 32725661)

Revvity Omics, Revvity
Classification: Pathogenic. Last evaluated: 2021-10-28. Review status: criteria provided, single submitter. Criteria: ACMG Guidelines, 2015. Collection method: clinical testing. Allele origin: germline.

CeGaT Center for Human Genetics Tuebingen
Classification: Pathogenic. Last evaluated: 2021-09-01. Review status: criteria provided, single submitter. Criteria: CeGaT Center For Human Genetics Tuebingen Variant Classification Criteria Version 2. Collection method: clinical testing. Allele origin: germline. Affected: yes. Observed: 5 variant alleles.

Blueprint Genetics
Classification: Pathogenic for PIGT-related disorders. Last evaluated: 2020-12-31. Review status: criteria provided, single submitter. Criteria: ACMG Guidelines, 2015. Collection method: clinical testing. Allele origin: germline. Affected: yes. Observed: 4 variant alleles.

Mendelics
Classification: Pathogenic for Multiple congenital anomalies-hypotonia-seizures syndrome 3. Last evaluated: 2019-05-28. Review status: criteria provided, single submitter. Criteria: Mendelics Assertion Criteria 2017. Collection method: clinical testing. Allele origin: unknown.

OMIM
Classification: Pathogenic for MULTIPLE CONGENITAL ANOMALIES-HYPOTONIA-SEIZURES SYNDROME 3. Last evaluated: 2023-05-26. Review status: no assertion criteria provided. Collection method: literature only. Allele origin: germline. Not counted in ClinVar's aggregate classification.

Dr. Peter K. Rogan Lab, Western University
No classification provided (evidence only). Condition: Malignant tumor of urinary bladder. Review status: no classification provided. Collection method: in vitro. Allele origin: not applicable. Functional consequence: retained intron. Not counted in ClinVar's aggregate classification.

Literature cited by the submitters: PubMed 30976099 (cited by Dasa and Labcorp Genetics (formerly Invitae), Labcorp); PubMed 36177944 (cited by Dasa and OMIM); PubMed 16199547 (cited by Labcorp Genetics (formerly Invitae), Labcorp); PubMed 24906948 (cited by Labcorp Genetics (formerly Invitae), Labcorp); PubMed 25943031 (cited by Labcorp Genetics (formerly Invitae), Labcorp); PubMed 30813157 (cited by Labcorp Genetics (formerly Invitae), Labcorp); PubMed 9934988 (cited by OMIM).

NM_015937.6(PIGT):c.494-2A>G

Gene: PIGT (phosphatidylinositol glycan anchor biosynthesis class T; plus strand). Cytogenetic location: 20q13.12.
Variant type: single nucleotide variant.
Coding change: c.494-2A>G on transcript NM_015937.6 (MANE Select); the canonical splice acceptor site of the intron before coding-DNA position 494, A replaced by G.
Molecular consequence: splice acceptor variant.
Genome position (GRCh38, 1-based): chr20:45,419,293, A>G. VCF-style: chr20-45419293-A-G. GRCh37 (hg19) VCF-style: chr20-44047933-A-G.
Other names: c.494-2A>G (NM_001184729.3); c.326-2A>G (NM_001184728.3); c.188-2A>G (NM_001184730.3).
Identifiers: ClinVar variation 583283 (VCV000583283.63), dbSNP rs200790673, ClinGen allele CA9877916.